The following is an entry in ClinVar:

ClinVar aggregate classification (germline): Pathogenic (1 of 4 stars; one submission).

Conditions:
Hereditary breast ovarian cancer syndrome. Also called: Hereditary breast and ovarian cancer syndrome (HBOC); Hereditary breast and/or ovarian cancer syndrome; Hereditary breast and ovarian cancer; BRCA1- and BRCA2-Associated Hereditary Breast and Ovarian Cancer; Hereditary breast and ovarian cancer syndrome; Breast and ovarian cancer. Identifiers: Orphanet 145, MedGen C0677776, MeSH D061325, MONDO:0003582. Disease mechanism: loss of function.

Submission:

Labcorp Genetics (formerly Invitae), Labcorp
Classification: Pathogenic for Hereditary breast ovarian cancer syndrome. Last evaluated: 2017-11-17. Review status: criteria provided, single submitter. Criteria: Invitae Variant Classification Sherloc (09022015). Collection method: clinical testing. Allele origin: germline.
Comment: For these reasons, this variant has been classified as Pathogenic. Loss-of-function variants in BRCA2 are known to be pathogenic (PMID: 20104584). This variant has not been reported in the literature in individuals with BRCA2-related disease. This variant is not present in population databases (ExAC no frequency). This sequence change creates a premature translational stop signal (p.Glu2340*) in the BRCA2 gene. It is expected to result in an absent or disrupted protein product.

Literature cited by the submitters: PubMed 20104584.

NM_000059.4(BRCA2):c.7018G>T (p.Glu2340Ter)

Gene: BRCA2 (BRCA2 DNA repair associated; plus strand). Cytogenetic location: 13q13.1.
Variant type: single nucleotide variant.
Coding change: c.7018G>T on transcript NM_000059.4 (MANE Select); coding-DNA position 7018, G replaced by T.
Protein change: p.Glu2340Ter; replaces glutamic acid 2340 with a stop codon.
Molecular consequence: nonsense.
Genome position (GRCh38, 1-based): chr13:32,354,871, G>T. VCF-style: chr13-32354871-G-T. GRCh37 (hg19) VCF-style: chr13-32929008-G-T.
Other names: short protein forms E2340*.
Identifiers: ClinVar variation 1072565 (VCV001072565.7), dbSNP rs2137555167, ClinGen allele CA387794103.